The following is an entry in ClinVar:

NM_023067.4(FOXL2):c.632C>A (p.Ser211Ter)

Gene: FOXL2 (forkhead box L2; minus strand). Cytogenetic location: 3q22.3.
Variant type: single nucleotide variant.
Coding change: c.632C>A on transcript NM_023067.4 (MANE Select); coding-DNA position 632, C replaced by A.
Protein change: p.Ser211Ter; replaces serine 211 with a stop codon.
Molecular consequence: nonsense.
Genome position (GRCh38, 1-based): chr3:138,946,091, G>T on the plus strand (C>A on the coding strand, the complement: FOXL2 is on the minus strand). VCF-style: chr3-138946091-G-T. GRCh37 (hg19) VCF-style: chr3-138664933-G-T.
Other names: short protein forms S211*.
Identifiers: ClinVar variation 369918 (VCV000369918.1), dbSNP rs1057516167, ClinGen allele CA10654877.

ClinVar aggregate classification (germline): Pathogenic (1 of 4 stars; one submission).

Conditions:
Blepharophimosis, ptosis, and epicanthus inversus syndrome. Identifiers: Orphanet 126, MedGen C0220663, MONDO:0007201, OMIM 110100.

Submission:

Genomic Diagnostic Laboratory, Division of Genomic Diagnostics, Children's Hospital of Philadelphia
Classification: Pathogenic for Blepharophimosis, ptosis, and epicanthus inversus syndrome. Last evaluated: 2016-11-03. Review status: criteria provided, single submitter. Criteria: DGD Variant Analysis Guidelines. Collection method: clinical testing. Allele origin: germline. Affected: yes. Observed: 1 variant allele.
Comment: Clinical Testing